The following is an entry in ClinVar:

NM_025257.3(SLC44A4):c.207C>T (p.Asn69=)

Gene: SLC44A4 (solute carrier family 44 member 4; minus strand). Cytogenetic location: 6p21.33.
Variant type: single nucleotide variant.
Coding change: c.207C>T on transcript NM_025257.3 (MANE Select); coding-DNA position 207, C replaced by T.
Protein change: p.Asn69=; no amino-acid change (asparagine 69 retained).
Molecular consequence: synonymous variant. On other transcripts: 5 prime UTR variant (1).
Genome position (GRCh38, 1-based): chr6:31,875,887, G>A on the plus strand (C>T on the coding strand, the complement: SLC44A4 is on the minus strand). VCF-style: chr6-31875887-G-A. GRCh37 (hg19) VCF-style: chr6-31843664-G-A.
Other names: c.207C>T, p.Asn69= (NM_001178044.2, NM_032794.1); c.-22C>T (NM_001178045.2); c.207C>T (NM_025257.2).
Identifiers: ClinVar variation 2415763 (VCV002415763.9), dbSNP rs146715106, ClinGen allele CA3725779.

ClinVar aggregate classification (germline): Benign. Review status: criteria provided, single submitter (1 of 4 stars). 2 submissions from 2 submitters: Benign (1). 1 of the submissions does not count toward it. Last evaluated 2024-02-25.

Conditions:
SLC44A4-related disorder. Also called: SLC44A4-related condition.

Allele frequency attached by ClinVar (database versions not stated): gnomAD exomes 0.00002; ExAC 0.00008; gnomAD 0.00014; 1000 Genomes Project 30x 0.00016; 1000 Genomes Project 0.00020; TOPMed 0.00021; ESP Exome Variant Server 0.00059.
gnomAD v4.1: 49 of 1,613,420 alleles (0.003%); highest among the groups gnomAD compares: African/African-American, 0.061%; no homozygotes.

Submissions (2):

Labcorp Genetics (formerly Invitae), Labcorp
Classification: Benign. Last evaluated: 2024-02-25. Review status: criteria provided, single submitter. Criteria: Invitae Variant Classification Sherloc (09022015). Collection method: clinical testing. Allele origin: germline.

PreventionGenetics, part of Exact Sciences
Classification: Likely benign for SLC44A4-related condition. Last evaluated: 2019-09-04. Review status: no assertion criteria provided. Collection method: clinical testing. Allele origin: germline. Not counted in ClinVar's aggregate classification.
Comment: This variant is classified as likely benign based on ACMG/AMP sequence variant interpretation guidelines (Richards et al. 2015 PMID: 25741868, with internal and published modifications).